The following is an entry in ClinVar:

NM_031307.4(PUS3):c.1082T>A (p.Met361Lys)

Genes: HYLS1 (HYLS1 centriolar and ciliogenesis associated; plus strand), PUS3 (pseudouridine synthase 3; minus strand). Cytogenetic location: 11q24.2.
Variant type: single nucleotide variant.
Coding change: c.1082T>A on transcript NM_031307.4 (MANE Select); coding-DNA position 1082, T replaced by A.
Protein change: p.Met361Lys; replaces methionine 361 with lysine.
Molecular consequence: missense variant. On other transcripts: intron variant (5).
Genome position (GRCh38, 1-based): chr11:125,894,149, A>T on the plus strand (T>A on the coding strand, the complement: PUS3 is on the minus strand). VCF-style: chr11-125894149-A-T. GRCh37 (hg19) VCF-style: chr11-125764044-A-T.
Other names: c.458T>A, p.Met153Lys (NM_001271985.2); c.-81+2677A>T (NM_145014.3); c.-26+2677A>T (NM_001134793.2); c.-23+2677A>T (NM_001424364.1); c.-25-5195A>T (NM_001377269.1); c.-22-5198A>T (NM_001377270.1); short protein forms M153K, M361K.
Identifiers: ClinVar variation 931750 (VCV000931750.3), dbSNP rs779344310, ClinGen allele CA6350388.

ClinVar aggregate classification (germline): Uncertain significance (1 of 4 stars; one submission).

Conditions:
Severe growth deficiency-strabismus-extensive dermal melanocytosis-intellectual disability syndrome (NEDMIGS). Also called: NEURODEVELOPMENTAL DISORDER WITH MICROCEPHALY AND GRAY SCLERAE. Identifiers: Orphanet 488627, MedGen C4310745, MONDO:0014886, OMIM 617051.

Allele frequency attached by ClinVar (database versions not stated): gnomAD exomes below 0.00001 and 0.00002; ExAC 0.00002; TOPMed 0.00002.
gnomAD v4.1: 4 of 1,614,036 alleles (0.00025%); highest among the groups gnomAD compares: Non-Finnish European, 0.00017%; no homozygotes.

Submission:

Centre for Mendelian Genomics, University Medical Centre Ljubljana
Classification: Uncertain significance for Severe growth deficiency-strabismus-extensive dermal melanocytosis-intellectual disability syndrome. Last evaluated: 2019-01-03. Review status: criteria provided, single submitter. Criteria: ACMG Guidelines, 2015. Collection method: clinical testing. Allele origin: unknown. Affected: yes.
Comment: This variant was classified as: Uncertain significance. The available evidence favors the pathogenic nature of this variant, however the currently available data is insufficient to conclusively support its pathogenic nature. Thus this variant is classified as Uncertain significance - favor pathogenic. The following ACMG criteria were applied in classifying this variant: PM2,PP3,BP1.